The following is an entry in ClinVar:

NM_013275.6(ANKRD11):c.3274C>T (p.Pro1092Ser)

Gene: ANKRD11 (ankyrin repeat domain 11; minus strand). Cytogenetic location: 16q24.3.
Variant type: single nucleotide variant.
Coding change: c.3274C>T on transcript NM_013275.6 (MANE Select); coding-DNA position 3274, C replaced by T.
Protein change: p.Pro1092Ser; replaces proline 1092 with serine.
Molecular consequence: missense variant.
Genome position (GRCh38, 1-based): chr16:89,283,268, G>A on the plus strand (C>T on the coding strand, the complement: ANKRD11 is on the minus strand). VCF-style: chr16-89283268-G-A. GRCh37 (hg19) VCF-style: chr16-89349676-G-A.
Other names: c.3274C>T, p.Pro1092Ser (NM_001256182.2, NM_001256183.2); short protein forms P1092S.
Identifiers: ClinVar variation 1031766 (VCV001031766.13), dbSNP rs773172347, ClinGen allele CA8242390.

ClinVar aggregate classification (germline): Conflicting classifications of pathogenicity. Review status: criteria provided, conflicting classifications (1 of 4 stars). 6 submissions from 6 submitters: Uncertain significance (1); Likely benign (3). 2 of the submissions do not count toward it. Last evaluated 2026-07-27.

Conditions:
Inborn genetic diseases. Identifiers: MedGen C0950123, MeSH D030342.
KBG syndrome (KBGS). Also called: ANKRD11-Related KBG Syndrome. Identifiers: Orphanet 2332, MedGen C0220687, MONDO:0007846, OMIM 148050.

Allele frequency attached by ClinVar (database versions not stated): ExAC 0.00004; gnomAD exomes 0.00006; TOPMed 0.00009; gnomAD 0.00011.
gnomAD v4.1: 125 of 1,613,790 alleles (0.0077%); highest among the groups gnomAD compares: Admixed American, 0.023%; 1 homozygote.

Submissions (6):

Ambry Genetics
Classification: Likely benign for Inborn genetic diseases. Last evaluated: 2026-07-27. Review status: criteria provided, single submitter. Criteria: Ambry Variant Classification Scheme 2023. Collection method: clinical testing. Allele origin: germline.

Labcorp Genetics (formerly Invitae), Labcorp
Classification: Likely benign for KBG syndrome. Last evaluated: 2025-04-28. Review status: criteria provided, single submitter. Criteria: Invitae Variant Classification Sherloc (09022015). Collection method: clinical testing. Allele origin: germline.

GeneDx
Classification: Likely benign. Last evaluated: 2021-04-28. Review status: criteria provided, single submitter. Criteria: GeneDx Variant Classification Process June 2021. Collection method: clinical testing. Allele origin: germline. Affected: yes.

Baylor Genetics
Classification: Uncertain significance for KBG syndrome. Last evaluated: 2018-03-22. Review status: criteria provided, single submitter. Criteria: ACMG Guidelines, 2015. Collection method: clinical testing. Allele origin: paternal. Affected: yes.
Comment: This variant was determined to be of uncertain significance according to ACMG Guidelines, 2015 [PMID:25741868].

Genome Diagnostics Laboratory, University Medical Center Utrecht
Classification: Likely benign. Review status: no assertion criteria provided. Collection method: clinical testing. Allele origin: germline. Affected: yes. Study: VKGL Data-share Consensus. Not counted in ClinVar's aggregate classification.

Joint Genome Diagnostic Labs from Nijmegen and Maastricht, Radboudumc and MUMC+
Classification: Likely benign. Review status: no assertion criteria provided. Collection method: clinical testing. Allele origin: germline. Affected: yes. Study: VKGL Data-share Consensus. Not counted in ClinVar's aggregate classification.